The following is an entry in ClinVar:

ClinVar aggregate classification (germline): Uncertain significance. Review status: criteria provided, multiple submitters, no conflicts (2 of 4 stars). 2 submissions from 2 submitters: Uncertain significance (2). Last evaluated 2025-03-16.

Conditions:
Hereditary cancer-predisposing syndrome. Also called: Hereditary Cancer Syndrome; Neoplastic Syndromes, Hereditary; Hereditary neoplastic syndrome; Tumor predisposition. Identifiers: Orphanet 140162, MedGen C0027672, MeSH D009386, MONDO:0015356.
Cardiovascular phenotype. Identifiers: MedGen CN230736.
Neurofibromatosis, type 1 (NF1). Also called: Peripheral type neurofibromatosis; Neurofibromatosis, type I; NEUROFIBROMATOSIS, TYPE I, SOMATIC; VON RECKLINGHAUSEN DISEASE. Identifiers: Orphanet 636, MedGen C0027831, MONDO:0018975, OMIM 162200. Disease mechanism: loss of function.

Allele frequency attached by ClinVar (database versions not stated): TOPMed below 0.00001.

Submissions (2):

Labcorp Genetics (formerly Invitae), Labcorp
Classification: Uncertain significance for Neurofibromatosis, type 1. Last evaluated: 2025-03-16. Review status: criteria provided, single submitter. Criteria: Invitae Variant Classification Sherloc (09022015). Collection method: clinical testing. Allele origin: germline.
Comment: This sequence change replaces threonine, which is neutral and polar, with isoleucine, which is neutral and non-polar, at codon 482 of the NF1 protein (p.Thr482Ile). This variant is not present in population databases (gnomAD no frequency). This variant has not been reported in the literature in individuals affected with NF1-related conditions. ClinVar contains an entry for this variant (Variation ID: 819236). Invitae Evidence Modeling of protein sequence and biophysical properties (such as structural, functional, and spatial information, amino acid conservation, physicochemical variation, residue mobility, and thermodynamic stability) indicates that this missense variant is not expected to disrupt NF1 protein function with a negative predictive value of 95%. In summary, the available evidence is currently insufficient to determine the role of this variant in disease. Therefore, it has been classified as a Variant of Uncertain Significance.

Ambry Genetics
Classification: Uncertain significance for Cardiovascular phenotype; Hereditary cancer-predisposing syndrome. Last evaluated: 2024-11-18. Review status: criteria provided, single submitter. Criteria: Ambry Variant Classification Scheme 2023. Collection method: clinical testing. Allele origin: germline.
Comment: The p.T482I variant (also known as c.1445C>T), located in coding exon 13 of the NF1 gene, results from a C to T substitution at nucleotide position 1445. The threonine at codon 482 is replaced by isoleucine, an amino acid with similar properties. This amino acid position is highly conserved in available vertebrate species. In addition, the in silico prediction for this alteration is inconclusive. Based on the available evidence, the clinical significance of this variant remains unclear.

NM_001042492.3(NF1):c.1445C>T (p.Thr482Ile)

Gene: NF1 (neurofibromin 1; plus strand). Cytogenetic location: 17q11.2.
Variant type: single nucleotide variant.
Coding change: c.1445C>T on transcript NM_001042492.3 (MANE Select); coding-DNA position 1445, C replaced by T.
Protein change: p.Thr482Ile; replaces threonine 482 with isoleucine.
Molecular consequence: missense variant.
Genome position (GRCh38, 1-based): chr17:31,214,503, C>T. VCF-style: chr17-31214503-C-T. GRCh37 (hg19) VCF-style: chr17-29541521-C-T.
Other names: c.1445C>T, p.Thr482Ile (NM_001128147.3, NM_000267.4); short protein forms T482I.
Identifiers: ClinVar variation 819236 (VCV000819236.10), dbSNP rs1004943800, ClinGen allele CA289356775.